The following is an entry in ClinVar:

NM_001040108.2(MLH3):c.1475T>C (p.Leu492Pro)

Gene: MLH3 (mutL homolog 3; minus strand). Cytogenetic location: 14q24.3.
Variant type: single nucleotide variant.
Coding change: c.1475T>C on transcript NM_001040108.2 (MANE Select); coding-DNA position 1475, T replaced by C.
Protein change: p.Leu492Pro; replaces leucine 492 with proline.
Molecular consequence: missense variant.
Genome position (GRCh38, 1-based): chr14:75,048,181, A>G on the plus strand (T>C on the coding strand, the complement: MLH3 is on the minus strand). VCF-style: chr14-75048181-A-G. GRCh37 (hg19) VCF-style: chr14-75514884-A-G.
Other names: c.1475T>C, p.Leu492Pro (NM_014381.3); short protein forms L492P.
Identifiers: ClinVar variation 3232442 (VCV003232442.1), dbSNP rs2503294671, ClinGen allele CA390445443.

ClinVar aggregate classification (germline): Uncertain significance (1 of 4 stars; one submission).

Allele frequency attached by ClinVar (database versions not stated): gnomAD exomes below 0.00001.
gnomAD v4.1: 1 of 1,613,818 alleles (0.000062%); highest among the groups gnomAD compares: Non-Finnish European, 0.000085%; no homozygotes.

Submission:

Ambry Genetics
Classification: Uncertain significance. Last evaluated: 2024-03-09. Review status: criteria provided, single submitter. Criteria: Ambry Variant Classification Scheme 2023. Collection method: clinical testing. Allele origin: germline.
Comment: The p.L492P variant (also known as c.1475T>C), located in coding exon 1 of the MLH3 gene, results from a T to C substitution at nucleotide position 1475. The leucine at codon 492 is replaced by proline, an amino acid with similar properties. This amino acid position is conserved. In addition, this alteration is predicted to be tolerated by in silico analysis. Based on the available evidence, the clinical significance of this alteration remains unclear.